The following is an entry in ClinVar:

ClinVar aggregate classification (germline): Uncertain significance (1 of 4 stars; one submission).

Conditions:
Inborn genetic diseases. Identifiers: MedGen C0950123, MeSH D030342.

gnomAD v4.1: 8 of 1,613,990 alleles (0.0005%); highest among the groups gnomAD compares: Non-Finnish European, 0.00068%; no homozygotes.

Submission:

Ambry Genetics
Classification: Uncertain significance for Inborn genetic diseases. Last evaluated: 2026-08-27. Review status: criteria provided, single submitter. Criteria: Ambry Variant Classification Scheme 2023. Collection method: clinical testing. Allele origin: germline.
Comment: The c.1933G>C (p.G645R) alteration is located in exon 10 (coding exon 10) of the FSHR gene. This alteration results from a G to C substitution at nucleotide position 1933, causing the glycine (G) at amino acid position 645 to be replaced by an arginine (R). Based on data from gnomAD, the C allele has an overall frequency of <0.001% (1/251082) total alleles studied. The highest observed frequency was 0.001% (1/113436) of European (non-Finnish) alleles. Based on insufficient or conflicting evidence, the clinical significance of this alteration remains unclear.

NM_000145.4(FSHR):c.1933G>C (p.Gly645Arg)

Gene: FSHR (follicle stimulating hormone receptor; minus strand). Cytogenetic location: 2p16.3.
Variant type: single nucleotide variant.
Coding change: c.1933G>C on transcript NM_000145.4 (MANE Select); coding-DNA position 1933, G replaced by C.
Protein change: p.Gly645Arg; replaces glycine 645 with arginine.
Molecular consequence: missense variant.
Genome position (GRCh38, 1-based): chr2:48,962,888, C>G on the plus strand (G>C on the coding strand, the complement: FSHR is on the minus strand). VCF-style: chr2-48962888-C-G. GRCh37 (hg19) VCF-style: chr2-49190027-C-G.
Other names: c.1855G>C, p.Gly619Arg (NM_181446.3); short protein forms G619R, G645R.
Identifiers: ClinVar variation 5022053 (VCV005022053.1).